The following is an entry in ClinVar:

ClinVar aggregate classification (germline): Uncertain significance (1 of 4 stars; one submission).

Conditions:
Joubert syndrome. Also called: JOUBERT-BOLTSHAUSER SYNDROME; Familial aplasia of the vermis. Identifiers: Orphanet 475, MedGen C5979921, MONDO:0018772.
Meckel-Gruber syndrome. Also called: DYSENCEPHALIA SPLANCHNOCYSTICA; GRUBER SYNDROME; Dysencephalia splachnocystica. Identifiers: Orphanet 564, MedGen C0265215, MONDO:0018921.

Submission:

Labcorp Genetics (formerly Invitae), Labcorp
Classification: Uncertain significance for Joubert syndrome; Meckel-Gruber syndrome. Last evaluated: 2025-04-28. Review status: criteria provided, single submitter. Criteria: Invitae Variant Classification Sherloc (09022015). Collection method: clinical testing. Allele origin: germline.
Comment: This sequence change replaces valine, which is neutral and non-polar, with phenylalanine, which is neutral and non-polar, at codon 1229 of the CC2D2A protein (p.Val1229Phe). This variant is not present in population databases (gnomAD no frequency). This variant has not been reported in the literature in individuals affected with CC2D2A-related conditions. ClinVar contains an entry for this variant (Variation ID: 2122113). Invitae Evidence Modeling of protein sequence and biophysical properties (such as structural, functional, and spatial information, amino acid conservation, physicochemical variation, residue mobility, and thermodynamic stability) indicates that this missense variant is not expected to disrupt CC2D2A protein function with a negative predictive value of 95%. In summary, the available evidence is currently insufficient to determine the role of this variant in disease. Therefore, it has been classified as a Variant of Uncertain Significance.

NM_001378615.1(CC2D2A):c.3685G>T (p.Val1229Phe)

Genes: CC2D2A (coiled-coil and C2 domain containing 2A; plus strand), FBXL5 (F-box and leucine rich repeat protein 5; minus strand). Cytogenetic location: 4p15.32.
Variant type: single nucleotide variant.
Coding change: c.3685G>T on transcript NM_001378615.1 (MANE Select); coding-DNA position 3685, G replaced by T.
Protein change: p.Val1229Phe; replaces valine 1229 with phenylalanine.
Molecular consequence: missense variant.
Genome position (GRCh38, 1-based): chr4:15,574,240, G>T. VCF-style: chr4-15574240-G-T. GRCh37 (hg19) VCF-style: chr4-15575863-G-T.
Other names: c.3685G>T, p.Val1229Phe (NM_001080522.2); c.3538G>T, p.Val1180Phe (NM_001378617.1); short protein forms V1229F, V1180F.
Identifiers: ClinVar variation 2122113 (VCV002122113.4), dbSNP rs2475093147, ClinGen allele CA356423815.